The following is an entry in ClinVar:

ClinVar aggregate classification (germline): Likely pathogenic (1 of 4 stars; one submission).

Conditions:
Glycogen storage disease type III (GSD3). Also called: FORBES DISEASE; Cori disease. Identifiers: Orphanet 366, MedGen C0017922, MONDO:0009291, OMIM 232400.

Submission:

Myriad Genetics, Inc.
Classification: Likely pathogenic for Glycogen storage disease type III. Last evaluated: 2021-12-10. Review status: criteria provided, single submitter. Criteria: Myriad Women's Health Autosomal Recessive and X-Linked Classification Criteria (2021). Collection method: clinical testing. Allele origin: unknown.
Comment: NM_000642.2(AGL):c.2109T>A(C703*) is expected to be pathogenic in the context of glycogen storage disease type III. This variant is predicted to lead to an abnormal or absent protein product due to the creation of a premature termination codon in AGL, a gene where loss-of-function variants are known to be pathogenic. Please note: this variant was assessed in the context of healthy population screening.

NM_000642.3(AGL):c.2109T>A (p.Cys703Ter)

Gene: AGL (amylo-alpha-1,6-glucosidase and 4-alpha-glucanotransferase; plus strand). Cytogenetic location: 1p21.2.
Variant type: single nucleotide variant.
Coding change: c.2109T>A on transcript NM_000642.3 (MANE Select); coding-DNA position 2109, T replaced by A.
Protein change: p.Cys703Ter; replaces cysteine 703 with a stop codon.
Molecular consequence: nonsense.
Genome position (GRCh38, 1-based): chr1:99,881,399, T>A. VCF-style: chr1-99881399-T-A. GRCh37 (hg19) VCF-style: chr1-100346955-T-A.
Other names: c.1731T>A, p.Cys577Ter (NM_001425332.1); c.1905T>A, p.Cys635Ter (NM_001425329.1, NM_001425328.1); c.2109T>A, p.Cys703Ter (NM_000028.3, NM_000643.3, NM_000644.3 and 2 more transcripts); c.2061T>A, p.Cys687Ter (NM_000646.3); c.1908T>A, p.Cys636Ter (NM_001425327.1); short protein forms C687*, C703*, C577*, C635*, C636*.
Identifiers: ClinVar variation 1726285 (VCV001726285.2), dbSNP rs2524651965, ClinGen allele CA341319200.